The following is an entry in ClinVar:

NM_001080779.2(MYO1C):c.3065+35G>A

Gene: MYO1C (myosin IC; minus strand). Cytogenetic location: 17p13.3.
Variant type: single nucleotide variant.
Coding change: c.3065+35G>A on transcript NM_001080779.2 (MANE Select); 35 bases into the intron after coding-DNA position 3065, G replaced by A.
Molecular consequence: intron variant.
Genome position (GRCh38, 1-based): chr17:1,467,445, C>T on the plus strand (G>A on the coding strand, the complement: MYO1C is on the minus strand). VCF-style: chr17-1467445-C-T. GRCh37 (hg19) VCF-style: chr17-1370739-C-T.
Other names: c.2960+35G>A (NM_033375.5); c.3008+35G>A (NM_001080950.2); c.2993+35G>A (NM_001363855.1).
Identifiers: ClinVar variation 682721 (VCV000682721.2), dbSNP rs45624734, ClinGen allele CA8266674.
Genomic context (GRCh38, chr17:1,467,445, plus strand): 5'-CCCCAACCCTAAGGTGGACCCCCACCCTGTCCCTGGGTGCCCACACAGCCCCCTCGCCAC[C>T]CCCGCCCTGTCCCCGGGGGCCGCCCGCGCCTCACCTGCCCTGGTTGATGTTGATGCTGTT-3'

ClinVar aggregate classification (germline): Benign. Review status: criteria provided, multiple submitters, no conflicts (2 of 4 stars). 2 submissions from 2 submitters: Benign (2). Last evaluated 2018-06-16.

Allele frequency attached by ClinVar (database versions not stated): gnomAD exomes 0.03724 and 0.03947; ExAC 0.04300; 1000 Genomes Project 0.05931; 1000 Genomes Project 30x 0.06059; gnomAD 0.06397 and 0.06660; TOPMed 0.06673; ESP Exome Variant Server 0.07129.
gnomAD v4.1: 64,197 of 1,608,666 alleles (4%); highest among the groups gnomAD compares: African/African-American, 14%; 1,804 homozygotes.

Submissions (2):

GeneDx
Classification: Benign. Last evaluated: 2018-06-16. Review status: criteria provided, single submitter. Criteria: GeneDx Variant Classification (06012015). Collection method: clinical testing. Allele origin: germline. Affected: yes.
Comment: This variant is considered likely benign or benign based on one or more of the following criteria: it is a conservative change, it occurs at a poorly conserved position in the protein, it is predicted to be benign by multiple in silico algorithms, and/or has population frequency not consistent with disease.

Breakthrough Genomics
Classification: Benign. Review status: criteria provided, single submitter. Criteria: ACMG Guidelines, 2015. Collection method: not provided. Allele origin: germline. Inheritance: Unknown mechanism. Affected: yes.